The following is an entry in ClinVar:

ClinVar aggregate classification (germline): Uncertain significance. Review status: criteria provided, multiple submitters, no conflicts (2 of 4 stars). 2 submissions from 2 submitters: Uncertain significance (2). Last evaluated 2024-09-27.

Conditions:
Malignant hyperthermia, susceptibility to, 1 (MHS1). Also called: Anesthesia related hyperthermia; Malignant hyperpyrexia; Fulminating hyperpyrexia; Pharmacogenic myopathy; RYR1-Related Malignant Hyperthermia Susceptibility; Malignant hyperthermia suceptibility 1. Identifiers: Orphanet 423, MedGen C2930980, MONDO:0007783, OMIM 145600.
RYR1-related disorder. Also called: RYR1-related disorders; RYR1-related condition. Identifiers: MedGen CN239331.

Allele frequency attached by ClinVar (database versions not stated): gnomAD exomes below 0.00001; ExAC 0.00002; TOPMed 0.00003; gnomAD 0.00004.
gnomAD v4.1: 15 of 1,613,192 alleles (0.00093%); highest among the groups gnomAD compares: East Asian, 0.0045%; no homozygotes.

Submissions (2):

All of Us Research Program, National Institutes of Health
Classification: Uncertain significance for Malignant hyperthermia, susceptibility to, 1. Last evaluated: 2024-09-27. Review status: criteria provided, single submitter. Criteria: ACMG Guidelines, 2015. Collection method: clinical testing. Allele origin: germline. Inheritance: Autosomal dominant inheritance. Observed: 11 variant alleles, 11 heterozygotes.
Comment: This variant causes a G to A nucleotide substitution at the -11 position of intron 87 of the RYR1 gene. To our knowledge, functional studies have not been reported for this variant. This variant has not been reported in individuals affected with RYR1-related disorders in the literature. This variant has been identified in 6/282738 chromosomes in the general population by the Genome Aggregation Database (gnomAD). The available evidence is insufficient to determine the role of this variant in disease conclusively. Therefore, this variant is classified as a Variant of Uncertain Significance.

This study involves interpretation of variants in research participants for the purpose of population health screening. Participant phenotype was not available at the time of variant classification. Additional details can be found in publication PMID: 35346344, PMCID: PMC8962531

Labcorp Genetics (formerly Invitae), Labcorp
Classification: Uncertain significance for RYR1-related disorder. Last evaluated: 2022-09-12. Review status: criteria provided, single submitter. Criteria: Invitae Variant Classification Sherloc (09022015). Collection method: clinical testing. Allele origin: germline.
Comment: This sequence change falls in intron 87 of the RYR1 gene. It does not directly change the encoded amino acid sequence of the RYR1 protein. This variant is present in population databases (rs756437425, gnomAD 0.01%). This variant has not been reported in the literature in individuals affected with RYR1-related conditions. Algorithms developed to predict the effect of sequence changes on RNA splicing suggest that this variant may create or strengthen a splice site. In summary, the available evidence is currently insufficient to determine the role of this variant in disease. Therefore, it has been classified as a Variant of Uncertain Significance.

NM_000540.3(RYR1):c.12013-11G>A

Gene: RYR1 (ryanodine receptor 1; plus strand). Cytogenetic location: 19q13.2.
Variant type: single nucleotide variant.
Coding change: c.12013-11G>A on transcript NM_000540.3 (MANE Select); 11 bases into the intron before coding-DNA position 12013, G replaced by A.
Molecular consequence: intron variant.
Genome position (GRCh38, 1-based): chr19:38,546,434, G>A. VCF-style: chr19-38546434-G-A. GRCh37 (hg19) VCF-style: chr19-39037074-G-A.
Other names: c.11998-11G>A (NM_001042723.2).
Identifiers: ClinVar variation 2150963 (VCV002150963.3), dbSNP rs756437425, ClinGen allele CA058055.
Genomic context (GRCh38, chr19:38,546,434, plus strand): 5'-GGAGGGGGAGAAGCAACAGAGGTGGGGGAGGTGTATGCTGAGACCAGCCCTCACCGAGCT[G>A]GGATCTCTAGGACTCAAGCCAGATCGAGCTGCTGAAGGAGCTGCTGGATCTGCAGAAGGA-3'